The following is an entry in ClinVar:

NM_013280.5(FLRT1):c.977G>A (p.Arg326Lys)

Genes: FLRT1 (fibronectin leucine rich transmembrane protein 1; plus strand), MACROD1 (mono-ADP ribosylhydrolase 1; minus strand). Cytogenetic location: 11q13.1.
Variant type: single nucleotide variant.
Coding change: c.977G>A on transcript NM_013280.5 (MANE Select); coding-DNA position 977, G replaced by A.
Protein change: p.Arg326Lys; replaces arginine 326 with lysine.
Molecular consequence: missense variant. On other transcripts: intron variant (2).
Genome position (GRCh38, 1-based): chr11:64,117,244, G>A. VCF-style: chr11-64117244-G-A. GRCh37 (hg19) VCF-style: chr11-63884716-G-A.
Other names: c.977G>A, p.Arg326Lys (NM_001384466.1); c.893G>A, p.Arg298Lys (NM_001423967.1); c.517+33995C>T (NM_001411019.1, NM_014067.4); short protein forms R326K, R298K.
Identifiers: ClinVar variation 859555 (VCV000859555.11), dbSNP rs149882049, ClinGen allele CA6067586.
Genomic context (GRCh38, chr11:64,117,244, plus strand): 5'-TGACCACGCTGCCCCGCGGCCTGTTCGACGACCTGGGGAACCTGGCCCAGCTGCTGCTCA[G>A]GAACAACCCTTGGTTTTGTGGCTGCAACCTCATGTGGCTGCGGGACTGGGTGAAGGCACG-3'
Protein context (NP_037412.2, residues 316-336): DLGNLAQLLL[Arg326Lys]NNPWFCGCNL

ClinVar aggregate classification (germline): Uncertain significance. Review status: criteria provided, multiple submitters, no conflicts (2 of 4 stars). 2 submissions from 2 submitters: Uncertain significance (2). Last evaluated 2025-04-16.

Conditions:
Peripheral neuropathy. Also called: Neuropathy. Identifiers: MedGen C0031117, MONDO:0005244, HP:0009830.

Allele frequency attached by ClinVar (database versions not stated): gnomAD exomes 0.00005 and 0.00014; ESP Exome Variant Server 0.00062; gnomAD 0.00067 and 0.00058; TOPMed 0.00076; ExAC 0.00018; 1000 Genomes Project 0.00040; 1000 Genomes Project 30x 0.00078.
gnomAD v4.1: 168 of 1,614,200 alleles (0.01%); highest among the groups gnomAD compares: African/African-American, 0.19%; no homozygotes.

Submissions (2):

Ambry Genetics
Classification: Uncertain significance. Last evaluated: 2025-04-16. Review status: criteria provided, single submitter. Criteria: Ambry Variant Classification Scheme 2023. Collection method: clinical testing. Allele origin: germline.

Labcorp Genetics (formerly Invitae), Labcorp
Classification: Uncertain significance for Peripheral neuropathy. Last evaluated: 2019-01-26. Review status: criteria provided, single submitter. Criteria: Invitae Variant Classification Sherloc (09022015). Collection method: clinical testing. Allele origin: germline.
Comment: In summary, the available evidence is currently insufficient to determine the role of this variant in disease. Therefore, it has been classified as a Variant of Uncertain Significance. Algorithms developed to predict the effect of missense changes on protein structure and function (SIFT, PolyPhen-2, Align-GVGD) all suggest that this variant is likely to be disruptive, but these predictions have not been confirmed by published functional studies and their clinical significance is uncertain. This variant has not been reported in the literature in individuals with FLRT1-related conditions. This variant is present in population databases (rs149882049, ExAC 0.2%). This sequence change replaces arginine with lysine at codon 326 of the FLRT1 protein (p.Arg326Lys). The arginine residue is highly conserved and there is a small physicochemical difference between arginine and lysine.